The following is an entry in ClinVar:

NM_020987.5(ANK3):c.8679A>G (p.Gln2893=)

Gene: ANK3 (ankyrin 3; minus strand). Cytogenetic location: 10q21.2.
Variant type: single nucleotide variant.
Coding change: c.8679A>G on transcript NM_020987.5 (MANE Select); coding-DNA position 8679, A replaced by G.
Protein change: p.Gln2893=; no amino-acid change (glutamine 2893 retained).
Molecular consequence: synonymous variant. On other transcripts: intron variant (4).
Genome position (GRCh38, 1-based): chr10:60,072,202, T>C on the plus strand (A>G on the coding strand, the complement: ANK3 is on the minus strand). VCF-style: chr10-60072202-T-C. GRCh37 (hg19) VCF-style: chr10-61831960-T-C.
Other names: c.4388-4193A>G (NM_001204403.2); c.4409-4193A>G (NM_001204404.2); c.4406-4193A>G (NM_001320874.2); c.1808-4193A>G (NM_001149.4).
Identifiers: ClinVar variation 3026617 (VCV003026617.22), dbSNP rs1214150146, ClinGen allele CA469991605.

ClinVar aggregate classification (germline): Likely benign (1 of 4 stars; one submission).

Allele frequency attached by ClinVar (database versions not stated): gnomAD exomes below 0.00001.
gnomAD v4.1: 1 of 1,613,910 alleles (0.000062%); highest among the groups gnomAD compares: Admixed American, 0.0017%; no homozygotes.

Submission:

CeGaT Center for Human Genetics Tuebingen
Classification: Likely benign. Last evaluated: 2023-12-01. Review status: criteria provided, single submitter. Criteria: CeGaT Center For Human Genetics Tuebingen Variant Classification Criteria Version 2. Collection method: clinical testing. Allele origin: germline. Affected: yes. Observed: 1 variant allele.
Comment: ANK3: BP4, BP7